The following is an entry in ClinVar:

ClinVar aggregate classification (germline): Uncertain significance. Review status: criteria provided, single submitter (1 of 4 stars). 2 submissions from 2 submitters: Uncertain significance (1). 1 of the submissions does not count toward it. Last evaluated 2024-12-24.

Conditions:
Wilson disease (WND). Also called: Wilson's disease. Identifiers: Orphanet 905, MedGen C0019202, MONDO:0010200, OMIM 277900. Disease mechanism: loss of function.

Submissions (2):

Labcorp Genetics (formerly Invitae), Labcorp
Classification: Uncertain significance for Wilson disease. Last evaluated: 2024-12-24. Review status: criteria provided, single submitter. Criteria: Invitae Variant Classification Sherloc (09022015). Collection method: clinical testing. Allele origin: germline.
Comment: This variant, c.268_270del, results in the deletion of 1 amino acid(s) of the ATP7B protein (p.Lys90del), but otherwise preserves the integrity of the reading frame. This variant is present in population databases (rs751970838, gnomAD 0.006%). This variant has been observed in individual(s) with clinical features of Wilson disease and/or Wilson disease (PMID: 35220961; internal data). In at least one individual the data is consistent with being in trans (on the opposite chromosome) from a pathogenic variant. ClinVar contains an entry for this variant (Variation ID: 553379). Experimental studies and prediction algorithms are not available or were not evaluated, and the functional significance of this variant is currently unknown. In summary, the available evidence is currently insufficient to determine the role of this variant in disease. Therefore, it has been classified as a Variant of Uncertain Significance.

Counsyl
Classification: Uncertain significance for Wilson disease. Last evaluated: 2017-08-18. Review status: no assertion criteria provided. Collection method: clinical testing. Allele origin: unknown. Not counted in ClinVar's aggregate classification.

Literature cited by the submitters: PubMed 35220961 (cited by Labcorp Genetics (formerly Invitae), Labcorp).

NM_000053.4(ATP7B):c.268_270del (p.Lys90del)

Gene: ATP7B (ATPase copper transporting beta; minus strand). Cytogenetic location: 13q14.3.
Variant type: Deletion.
Coding change: c.268_270del on transcript NM_000053.4 (MANE Select); coding-DNA positions 268 to 270, 3 bases deleted (AAG; older notation c.268_270delAAG).
Protein change: p.Lys90del; deletes lysine 90.
Molecular consequence: inframe deletion.
Genome position (GRCh38, 1-based): chr13:51,974,950-51,974,952, CTT deleted on the plus strand (AAG on the coding strand, the reverse complement: ATP7B is on the minus strand); deleting any 3 consecutive bases within chr13:51,974,950-51,974,953 gives the same sequence; the c. name uses the placement nearest the transcript's 3' end. VCF-style (leftmost placement, unchanged base first): chr13-51974949-CCTT-C. GRCh37 (hg19) VCF-style: chr13-52549085-CCTT-C.
Other names: c.268_270del, p.Lys90del (NM_001005918.3, NM_001243182.2, NM_001330578.2 and 1 more transcripts); short protein forms K90del.
Identifiers: ClinVar variation 553379 (VCV000553379.3), dbSNP rs751970838, ClinGen allele CA6989592.
Genomic context (GRCh38, chr13:51,974,949, plus strand): 5'-GTTGCAGGCACACAACCGATGGCACATATTTCACAGTGGCACTGCCTTGTTCCAGGGAAA[CCTT>C]CATGCTGATGATGCCTTTCAAATTGGAAATCCTGTCCTCAATGGACTTCACACATGACTG-3'